The following is an entry in ClinVar:

ClinVar aggregate classification (germline): Uncertain significance. Review status: criteria provided, multiple submitters, no conflicts (2 of 4 stars). 3 submissions from 3 submitters: Uncertain significance (3). Last evaluated 2025-11-17.

Conditions:
Hereditary cancer-predisposing syndrome. Also called: Tumor predisposition; Hereditary Cancer Syndrome; Hereditary neoplastic syndrome; Neoplastic Syndromes, Hereditary. Identifiers: Orphanet 140162, MedGen C0027672, MeSH D009386, MONDO:0015356.
Familial adenomatous polyposis 1 (FAP1). Also called: FAMILIAL ADENOMATOUS POLYPOSIS 1, ATTENUATED; POLYPOSIS, ADENOMATOUS INTESTINAL. Identifiers: MedGen C2713442, MONDO:0021056, OMIM 175100. Disease mechanism: loss of function.

Submissions (3):

Labcorp Genetics (formerly Invitae), Labcorp
Classification: Uncertain significance for Familial adenomatous polyposis 1. Last evaluated: 2025-11-17. Review status: criteria provided, single submitter. Criteria: Invitae Variant Classification Sherloc (09022015). Collection method: clinical testing. Allele origin: germline.
Comment: This sequence change replaces arginine, which is basic and polar, with glycine, which is neutral and non-polar, at codon 213 of the APC protein (p.Arg213Gly). This variant is not present in population databases (gnomAD no frequency). This variant has not been reported in the literature in individuals affected with APC-related conditions. ClinVar contains an entry for this variant (Variation ID: 537432). Invitae Evidence Modeling of protein sequence and biophysical properties (such as structural, functional, and spatial information, amino acid conservation, physicochemical variation, residue mobility, and thermodynamic stability) has been performed for this missense variant. However, the output from this modeling did not meet the statistical confidence thresholds required to predict the impact of this variant on APC protein function. In summary, the available evidence is currently insufficient to determine the role of this variant in disease. Therefore, it has been classified as a Variant of Uncertain Significance.

GeneDx
Classification: Uncertain significance. Last evaluated: 2024-11-05. Review status: criteria provided, single submitter. Criteria: GeneDx Variant Classification Process June 2021. Collection method: clinical testing. Allele origin: germline. Affected: yes.
Comment: Not observed at significant frequency in large population cohorts (gnomAD); In silico analysis supports that this missense variant has a deleterious effect on protein structure/function; Has not been previously published as pathogenic or benign to our knowledge

Ambry Genetics
Classification: Uncertain significance for Hereditary cancer-predisposing syndrome. Last evaluated: 2023-12-07. Review status: criteria provided, single submitter. Criteria: Ambry Variant Classification Scheme 2023. Collection method: clinical testing. Allele origin: germline.
Comment: The p.R213G variant (also known as c.637C>G), located in coding exon 5 of the APC gene, results from a C to G substitution at nucleotide position 637. The arginine at codon 213 is replaced by glycine, an amino acid with dissimilar properties. This amino acid position is highly conserved in available vertebrate species. In addition, in silico predictors for this gene do not accurately predict pathogenicity. Since supporting evidence is limited at this time, the clinical significance of this alteration remains unclear.

NM_000038.6(APC):c.637C>G (p.Arg213Gly)

Gene: APC (APC regulator of Wnt signaling pathway; plus strand). Cytogenetic location: 5q22.2.
Variant type: single nucleotide variant.
Coding change: c.637C>G on transcript NM_000038.6 (MANE Select); coding-DNA position 637, C replaced by G.
Protein change: p.Arg213Gly; replaces arginine 213 with glycine.
Molecular consequence: missense variant. On other transcripts: 5 prime UTR variant (1).
Genome position (GRCh38, 1-based): chr5:112,780,895, C>G. VCF-style: chr5-112780895-C-G. GRCh37 (hg19) VCF-style: chr5-112116592-C-G.
Other names: c.637C>G, p.Arg213Gly (NM_001127510.3, NM_001354895.2, NM_001354896.2 and 2 more transcripts); c.667C>G, p.Arg223Gly (NM_001127511.3, NM_001354897.2, NM_001354902.2); c.562C>G, p.Arg188Gly (NM_001354898.2, NM_001354904.2); c.460C>G, p.Arg154Gly (NM_001354900.2, NM_001354901.2, NM_001354905.2); c.-399C>G (NM_001354906.2); short protein forms R223G, R213G, R154G, R188G.
Identifiers: ClinVar variation 537432 (VCV000537432.51), dbSNP rs587781392, ClinGen allele CA16022734.